The following is an entry in ClinVar:

NM_000521.4(HEXB):c.611G>A (p.Gly204Glu)

Gene: HEXB (hexosaminidase subunit beta; plus strand). Cytogenetic location: 5q13.3.
Variant type: single nucleotide variant.
Coding change: c.611G>A on transcript NM_000521.4 (MANE Select); coding-DNA position 611, G replaced by A.
Protein change: p.Gly204Glu; replaces glycine 204 with glutamic acid.
Molecular consequence: missense variant. On other transcripts: 5 prime UTR variant (1).
Genome position (GRCh38, 1-based): chr5:74,697,048, G>A. VCF-style: chr5-74697048-G-A. GRCh37 (hg19) VCF-style: chr5-73992873-G-A.
Other names: c.-65G>A (NM_001292004.2); short protein forms G204E.
Identifiers: ClinVar variation 2506216 (VCV002506216.2), dbSNP rs762821794, ClinGen allele CA3305893.

ClinVar aggregate classification (germline): Likely pathogenic. Review status: criteria provided, multiple submitters, no conflicts (2 of 4 stars). 2 submissions from 2 submitters: Likely pathogenic (2). Last evaluated 2024-10-04.

Conditions:
Sandhoff disease. Also called: Beta-hexosaminidase-beta-subunit deficiency; GM2 gangliosidosis, type 2; Total hexosaminidase deficiency; Sandhoff-Jatzkewitz-Pilz disease; GM2-GANGLIOSIDOSIS, TYPE II; HEXOSAMINIDASES A AND B DEFICIENCY. Identifiers: Orphanet 796, MedGen C0036161, MONDO:0010006, OMIM 268800.

Allele frequency attached by ClinVar (database versions not stated): ExAC 0.00001; gnomAD exomes 0.00001.
gnomAD v4.1: 4 of 1,586,448 alleles (0.00025%); highest among the groups gnomAD compares: South Asian, 0.0011%; no homozygotes.

Submissions (2):

Natera, Inc.
Classification: Likely pathogenic for Sandhoff disease. Last evaluated: 2024-10-04. Review status: criteria provided, single submitter. Criteria: Natera Variant Classification Schema (03/2026). Collection method: clinical testing. Allele origin: germline.
Comment: The c.611G>A variant in HEXB is a missense variant predicted to cause substitution of glycine to glutamic acid at amino acid 204. This variant is rare in the general population with a frequency below the threshold expected for the associated phenotype(s). This variant has been observed in one or more individuals affected with the associated recessive disease, as either homozygous or compound heterozygous with a second variant (PMID: 26582265, 36407556). This variant has been identified in one or more affected individual with a phenotype highly consistent with the associated gene (PMID: 26582265). Computational prediction algorithms indicate this variant is likely to affect gene or protein function. Given the available evidence, this variant is classified as Likely Pathogenic.

Women's Health and Genetics/Laboratory Corporation of America, LabCorp
Classification: Likely pathogenic for Sandhoff disease. Last evaluated: 2023-05-01. Review status: criteria provided, single submitter. Criteria: LabCorp Variant Classification Summary - May 2015. Collection method: clinical testing. Allele origin: germline.
Comment: Variant summary: HEXB c.611G>A (p.Gly204Glu) results in a non-conservative amino acid change located in the Glycoside hydrolase family 20, catalytic domain (IPR015883) of the encoded protein sequence. Five of five in-silico tools predict a damaging effect of the variant on protein function. The variant allele was found at a frequency of 8e-06 in 250398 control chromosomes. c.611G>A has been reported in the literature as a biallelic homozygous or compound heterozygous genotype in at-least two individuals affected with biochemically consistent diagnosis of Sandhoff Disease (example, Tamhankar_2015, Mahdieh_2018, Ozaal_2022). These data indicate that the variant may be associated with disease. At least one publication reports experimental evidence evaluating an impact on protein function (example, Tamhankar_2018). The most pronounced variant effect results in <10% of normal Hex-A and total Hex activity in an individual with a homozygous genotype. The following publications have been ascertained in the context of this evaluation (PMID: 29448188, 36407556, 26582265). One clinical diagnostic laboratory has submitted clinical-significance assessments for this variant to ClinVar after 2014 and classified the variant as likely pathogenic. Based on the evidence outlined above, the variant was classified as likely pathogenic.

Literature cited by the submitters: PubMed 26582265 (cited by Natera, Inc. and Women's Health and Genetics/Laboratory Corporation of America, LabCorp); PubMed 36407556 (cited by Natera, Inc. and Women's Health and Genetics/Laboratory Corporation of America, LabCorp); PubMed 29448188 (cited by Women's Health and Genetics/Laboratory Corporation of America, LabCorp).